The following is an entry in ClinVar:

NM_001365276.2(TNXB):c.5660T>C (p.Leu1887Ser)

Gene: TNXB (tenascin XB; minus strand). Cytogenetic location: 6p21.33.
Variant type: single nucleotide variant.
Coding change: c.5660T>C on transcript NM_001365276.2 (MANE Select); coding-DNA position 5660, T replaced by C.
Protein change: p.Leu1887Ser; replaces leucine 1887 with serine.
Molecular consequence: missense variant.
Genome position (GRCh38, 1-based): chr6:32,069,064, A>G on the plus strand (T>C on the coding strand, the complement: TNXB is on the minus strand). VCF-style: chr6-32069064-A-G. GRCh37 (hg19) VCF-style: chr6-32036841-A-G.
Other names: c.5660T>C, p.Leu1887Ser (NM_019105.8); short protein forms L1887S.
Identifiers: ClinVar variation 1748923 (VCV001748923.2), dbSNP rs557598140, ClinGen allele CA136887257.
Genomic context (GRCh38, chr6:32,069,064, plus strand): 5'-TCTCCCTCAGTCACCATCCAGGAGAGATGCAGGGTGTGTGACGTGGCCTCCTCCACTGTC[A>G]ACTCCCCGAGGTGGGGCTCAGGCGCTGGAGGGGTCGGGGCCGTGGTCTCAGTTTCCGTTT-3'
Protein context (NP_001352205.1, residues 1877-1897): PPAPEPHLGE[Leu1887Ser]TVEEATSHTL

ClinVar aggregate classification (germline): Uncertain significance (1 of 4 stars; one submission).

Conditions:
Cardiovascular phenotype. Identifiers: MedGen CN230736.

Allele frequency attached by ClinVar (database versions not stated): TOPMed below 0.00001; gnomAD exomes 0.00001.
gnomAD v4.1: 3 of 1,612,790 alleles (0.00019%); highest among the groups gnomAD compares: Non-Finnish European, 0.00025%; no homozygotes.

Submission:

Ambry Genetics
Classification: Uncertain significance for Cardiovascular phenotype. Last evaluated: 2022-03-11. Review status: criteria provided, single submitter. Criteria: Ambry Variant Classification Scheme 2023. Collection method: clinical testing. Allele origin: germline.
Comment: The p.L1887S variant (also known as c.5660T>C), located in coding exon 15 of the TNXB gene, results from a T to C substitution at nucleotide position 5660. The leucine at codon 1887 is replaced by serine, an amino acid with dissimilar properties. This amino acid position is conserved. In addition, this alteration is predicted to be tolerated by in silico analysis. Since supporting evidence is limited at this time, the clinical significance of this alteration remains unclear.